The following is an entry in ClinVar:

NM_018429.3(BDP1):c.3365G>A (p.Gly1122Glu)

Gene: BDP1 (BDP1 general transcription factor IIIB subunit; plus strand). Cytogenetic location: 5q13.2.
Variant type: single nucleotide variant.
Coding change: c.3365G>A on transcript NM_018429.3 (MANE Select); coding-DNA position 3365, G replaced by A.
Protein change: p.Gly1122Glu; replaces glycine 1122 with glutamic acid.
Molecular consequence: missense variant.
Genome position (GRCh38, 1-based): chr5:71,510,457, G>A. VCF-style: chr5-71510457-G-A. GRCh37 (hg19) VCF-style: chr5-70806284-G-A.
Other names: short protein forms G1122E.
Identifiers: ClinVar variation 4981677 (VCV004981677.1).

ClinVar aggregate classification (germline): Uncertain significance (1 of 4 stars; one submission).

Conditions:
BDP1-related disorder. Also called: BDP1-related condition.

gnomAD v4.1: 14 of 1,613,786 alleles (0.00087%); highest among the groups gnomAD compares: Middle Eastern, 0.033%; no homozygotes.

Submission:

PreventionGenetics, part of Exact Sciences
Classification: Uncertain significance for BDP1-related condition. Last evaluated: 2025-06-20. Review status: criteria provided, single submitter. Criteria: ACMG Guidelines, 2015. Collection method: clinical testing. Allele origin: germline.
Comment: The BDP1 c.3365G>A variant is predicted to result in the amino acid substitution p.Gly1122Glu. To our knowledge, this variant has not been reported in the literature. This variant is reported in 0.0046% of alleles in individuals of European (Finnish) descent in gnomAD. At this time, the clinical significance of this variant is uncertain due to the absence of conclusive functional and genetic evidence.